The following is an entry in ClinVar:

ClinVar aggregate classification (germline): Uncertain significance (1 of 4 stars; one submission).

gnomAD v4.1: 3 of 1,613,980 alleles (0.00019%); highest among the groups gnomAD compares: East Asian, 0.0022%; no homozygotes.

Submission:

Labcorp Genetics (formerly Invitae), Labcorp
Classification: Uncertain significance. Last evaluated: 2025-01-23. Review status: criteria provided, single submitter. Criteria: Invitae Variant Classification Sherloc (09022015). Collection method: clinical testing. Allele origin: germline.
Comment: This sequence change replaces histidine, which is basic and polar, with arginine, which is basic and polar, at codon 1667 of the COL27A1 protein (p.His1667Arg). This variant is present in population databases (no rsID available, gnomAD 0.0009%). This variant has not been reported in the literature in individuals affected with COL27A1-related conditions. Invitae Evidence Modeling of protein sequence and biophysical properties (such as structural, functional, and spatial information, amino acid conservation, physicochemical variation, residue mobility, and thermodynamic stability) indicates that this missense variant is not expected to disrupt COL27A1 protein function with a negative predictive value of 80%. In summary, the available evidence is currently insufficient to determine the role of this variant in disease. Therefore, it has been classified as a Variant of Uncertain Significance.

NM_032888.4(COL27A1):c.5000A>G (p.His1667Arg)

Gene: COL27A1 (collagen type XXVII alpha 1 chain; plus strand). Cytogenetic location: 9q32.
Variant type: single nucleotide variant.
Coding change: c.5000A>G on transcript NM_032888.4 (MANE Select); coding-DNA position 5000, A replaced by G.
Protein change: p.His1667Arg; replaces histidine 1667 with arginine.
Molecular consequence: missense variant.
Genome position (GRCh38, 1-based): chr9:114,306,581, A>G. VCF-style: chr9-114306581-A-G. GRCh37 (hg19) VCF-style: chr9-117068861-A-G.
Other names: short protein forms H1667R.
Identifiers: ClinVar variation 3704854 (VCV003704854.2).